The following is an entry in ClinVar:

ClinVar aggregate classification (germline): Likely pathogenic (1 of 4 stars; one submission).

Conditions:
Renal cysts and diabetes syndrome (RCAD). Also called: Familial hypoplastic, glomerulocystic kidney; MATURITY-ONSET DIABETES OF THE YOUNG, TYPE 5. Identifiers: Orphanet 93111, MedGen C0431693, MONDO:0007669, OMIM 137920.

Submission:

MVZ Medizinische Genetik Mainz
Classification: Likely pathogenic for Renal cysts and diabetes syndrome. Last evaluated: 2024-11-06. Review status: criteria provided, single submitter. Criteria: UK Practice Guidelines For Variant Classification V4 01 2020. Collection method: clinical testing. Allele origin: germline. Inheritance: Autosomal dominant inheritance. Affected: yes. Observed: 1 variant allele.
Comment: ACMG Criteria: PM1,PP3_MOD,PM2_SUP,PP2

NM_000458.4(HNF1B):c.938T>C (p.Leu313Pro)

Gene: HNF1B (HNF1 homeobox B; minus strand). Cytogenetic location: 17q12.
Variant type: single nucleotide variant.
Coding change: c.938T>C on transcript NM_000458.4 (MANE Select); coding-DNA position 938, T replaced by C.
Protein change: p.Leu313Pro; replaces leucine 313 with proline.
Molecular consequence: missense variant.
Genome position (GRCh38, 1-based): chr17:37,731,702, A>G on the plus strand (T>C on the coding strand, the complement: HNF1B is on the minus strand). VCF-style: chr17-37731702-A-G. GRCh37 (hg19) VCF-style: chr17-36091693-A-G.
Other names: c.860T>C, p.Leu287Pro (NM_001165923.4, NM_001304286.2); c.938T>C, p.Leu313Pro (NM_001411100.1); short protein forms L287P, L313P.
Identifiers: ClinVar variation 3383224 (VCV003383224.1).